The following is an entry in ClinVar:

ClinVar aggregate classification (germline): Likely pathogenic (1 of 4 stars; one submission).

Conditions:
Familial hypokalemia-hypomagnesemia (GTLMNS). Also called: POTASSIUM AND MAGNESIUM DEPLETION; HYPOMAGNESEMIA-HYPOKALEMIA, PRIMARY RENOTUBULAR, WITH HYPOCALCIURIA; gitelman syndrome. Identifiers: Orphanet 358, MedGen C0268450, MONDO:0009904, OMIM 263800.

Submission:

Natera, Inc.
Classification: Likely pathogenic for Gitelman syndrome. Last evaluated: 2025-08-25. Review status: criteria provided, single submitter. Criteria: Natera Variant Classification Schema (03/2026). Collection method: clinical testing. Allele origin: germline.
Comment: The c.176del variant in SLC12A3 is a frameshift variant predicted to shift the reading frame beginning at codon 59 and leads to a stop codon 55 codons downstream. This variant is expected to result in nonsense mediated decay, truncation, or a dysfunctional protein product. This variant is rare in the general population with a frequency below the threshold expected for the associated phenotype(s). Given the available evidence, this variant is classified as Likely Pathogenic.

NM_001126108.2(SLC12A3):c.176del (p.Asn59fs)

Gene: SLC12A3 (solute carrier family 12 member 3; plus strand). Cytogenetic location: 16q13.
Variant type: Deletion.
Coding change: c.176del on transcript NM_001126108.2 (MANE Select); coding-DNA position 176, one base deleted (A; older notation c.176delA).
Protein change: p.Asn59fs; shifts the reading frame from asparagine 59.
Molecular consequence: frameshift variant.
Genome position (GRCh38, 1-based): chr16:56,865,411, A deleted; the last of 2 consecutive A bases (chr16:56,865,410-56,865,411); deleting either gives the same sequence. VCF-style (leftmost placement, unchanged base first): chr16-56865409-CA-C. GRCh37 (hg19) VCF-style: chr16-56899321-CA-C.
Other names: c.176del, p.Asn59fs (NM_000339.3, NM_001126107.2, NM_001410896.1); short protein forms N59fs.
Identifiers: ClinVar variation 4818195 (VCV004818195.1).